The following is an entry in ClinVar:

ClinVar aggregate classification (germline): Pathogenic. Review status: criteria provided, multiple submitters, no conflicts (2 of 4 stars). 3 submissions from 3 submitters: Pathogenic (2). 1 of the submissions does not count toward it. Last evaluated 2025-09-10.

Conditions:
Coxopodopatellar syndrome. Also called: Small patella syndrome; ISCHIOCOXOPODOPATELLAR SYNDROME WITH OR WITHOUT PULMONARY ARTERIAL HYPERTENSION; ISCHIOCOXOPODOPATELLAR SYNDROME; PATELLA APLASIA, COXA VARA, AND TARSAL SYNOSTOSIS; Congenital coxa vara, patella aplasia and tarsal synostosis; ISCHIOPATELLAR DYSPLASIA. Identifiers: Orphanet 1509, MedGen C1840061, MONDO:0007841, OMIM 147891.

Allele frequency attached by ClinVar (database versions not stated): gnomAD exomes below 0.00001.

Submissions (3):

Genomic Medicine Center of Excellence, King Faisal Specialist Hospital and Research Centre
Classification: Pathogenic for Coxopodopatellar syndrome. Last evaluated: 2025-09-10. Review status: criteria provided, single submitter. Criteria: ACMG Guidelines, 2015. Collection method: clinical testing. Allele origin: germline.

Labcorp Genetics (formerly Invitae), Labcorp
Classification: Pathogenic. Last evaluated: 2023-05-05. Review status: criteria provided, single submitter. Criteria: Invitae Variant Classification Sherloc (09022015). Collection method: clinical testing. Allele origin: germline.
Comment: This sequence change replaces arginine, which is basic and polar, with tryptophan, which is neutral and slightly polar, at codon 250 of the TBX4 protein (p.Arg250Trp). For these reasons, this variant has been classified as Pathogenic. Advanced modeling of protein sequence and biophysical properties (such as structural, functional, and spatial information, amino acid conservation, physicochemical variation, residue mobility, and thermodynamic stability) performed at Invitae indicates that this missense variant is expected to disrupt TBX4 protein function. ClinVar contains an entry for this variant (Variation ID: 1341445). This missense change has been observed in individual(s) with small patella syndrome (PMID: 23592887, 29120062). In at least one individual the variant was observed to be de novo. This variant is not present in population databases (gnomAD no frequency).

Wendy Chung Laboratory, Boston Children's Hospital
No classification provided. Condition: Coxopodopatellar syndrome. Review status: no classification provided. Collection method: literature only. Allele origin: de novo, germline. Affected: yes. Observed: 2 variant alleles. Not counted in ClinVar's aggregate classification.

Literature cited by the submitters: PubMed 23592887 (cited by Labcorp Genetics (formerly Invitae), Labcorp and Wendy Chung Laboratory, Boston Children's Hospital); PubMed 29120062 (cited by Labcorp Genetics (formerly Invitae), Labcorp and Wendy Chung Laboratory, Boston Children's Hospital).

NM_001321120.2(TBX4):c.748C>T (p.Arg250Trp)

Gene: TBX4 (T-box transcription factor 4; plus strand). Cytogenetic location: 17q23.2.
Variant type: single nucleotide variant.
Coding change: c.748C>T on transcript NM_001321120.2 (MANE Select); coding-DNA position 748, C replaced by T.
Protein change: p.Arg250Trp; replaces arginine 250 with tryptophan.
Molecular consequence: missense variant.
Genome position (GRCh38, 1-based): chr17:61,479,926, C>T. VCF-style: chr17-61479926-C-T. GRCh37 (hg19) VCF-style: chr17-59557287-C-T.
Other names: c.748C>T, p.Arg250Trp (NM_018488.3); short protein forms R250W.
Identifiers: ClinVar variation 1341445 (VCV001341445.9), dbSNP rs2143860927, ClinGen allele CA400473883.